The following is an entry in ClinVar:

ClinVar aggregate classification (germline): Uncertain significance (1 of 4 stars; one submission).

Conditions:
Juvenile polyposis syndrome (JPS). Identifiers: Orphanet 2929, MedGen C0345893, MONDO:0017380, OMIM 174900.

Submission:

Labcorp Genetics (formerly Invitae), Labcorp
Classification: Uncertain significance for Juvenile polyposis syndrome. Last evaluated: 2024-08-28. Review status: criteria provided, single submitter. Criteria: Invitae Variant Classification Sherloc (09022015). Collection method: clinical testing. Allele origin: germline.
Comment: This sequence change creates a premature translational stop signal (p.Ala514Hisfs*6) in the BMPR1A gene. While this is not anticipated to result in nonsense mediated decay, it is expected to disrupt the last 19 amino acid(s) of the BMPR1A protein. This variant is not present in population databases (gnomAD no frequency). This variant has not been reported in the literature in individuals affected with BMPR1A-related conditions. This variant disrupts a region of the BMPR1A protein in which other variant(s) (p.Lys519del) have been observed in individuals with BMPR1A-related conditions (PMID: 16436638). This suggests that this is a clinically significant region of the protein, and that variants that disrupt it are likely to be disease-causing. In summary, the available evidence is currently insufficient to determine the role of this variant in disease. Therefore, it has been classified as a Variant of Uncertain Significance.

Literature cited by the submitters: PubMed 16436638.

NM_004329.3(BMPR1A):c.1538_1539insCCAC (p.Ala514fs)

Gene: BMPR1A (bone morphogenetic protein receptor type 1A; plus strand). Cytogenetic location: 10q23.2.
Variant type: Insertion.
Coding change: c.1538_1539insCCAC on transcript NM_004329.3 (MANE Select); coding-DNA positions 1538 to 1539, CCAC inserted.
Protein change: p.Ala514fs; shifts the reading frame from alanine 514.
Molecular consequence: frameshift variant. On other transcripts: non-coding transcript variant (3).
Genome position: GRCh38 VCF-style: chr10-86923655-T-TCACC. GRCh37 (hg19) VCF-style: chr10-88683412-T-TCACC.
Other names: c.1538_1539insCCAC, p.Ala514fs (NM_001406575.1, NM_001406576.1, NM_001406577.1 and 19 more transcripts); c.1532_1533insCCAC, p.Ala512fs (NM_001406583.1); c.1454_1455insCCAC, p.Ala486fs (NM_001406584.1, NM_001406585.1, NM_001406586.1 and 2 more transcripts); c.1196_1197insCCAC, p.Ala400fs (NM_001406589.1); c.1613_1614insCCAC, p.Ala539fs (NM_001406559.1); c.1586_1587insCCAC, p.Ala530fs (NM_001406560.1); short protein forms A514fs, A400fs, A512fs, A530fs, A486fs, A539fs.
Identifiers: ClinVar variation 3663748 (VCV003663748.2).